The following is an entry in ClinVar:

ClinVar aggregate classification (germline): Pathogenic (1 of 4 stars; one submission).

Conditions:
CHARGE syndrome (CHARGE). Also called: Hittner Hirsch Kreh syndrome; CHARGE ASSOCIATION--COLOBOMA, HEART ANOMALY, CHOANAL ATRESIA, RETARDATION, GENITAL AND EAR ANOMALIES; Coloboma, heart anomaly, choanal atresia, retardation, genital and ear anomalies; CHARGE association; Hall-Hittner syndrome. Identifiers: Orphanet 138, MedGen C0265354, MONDO:0008965.

Submission:

Labcorp Genetics (formerly Invitae), Labcorp
Classification: Pathogenic for CHARGE syndrome. Last evaluated: 2023-08-23. Review status: criteria provided, single submitter. Criteria: Invitae Variant Classification Sherloc (09022015). Collection method: clinical testing. Allele origin: germline.
Comment: For these reasons, this variant has been classified as Pathogenic. This variant has not been reported in the literature in individuals affected with CHD7-related conditions. This sequence change creates a premature translational stop signal (p.Asn1112Profs*4) in the CHD7 gene. It is expected to result in an absent or disrupted protein product. Loss-of-function variants in CHD7 are known to be pathogenic (PMID: 22461308, 25077900). This variant is not present in population databases (gnomAD no frequency).

Literature cited by the submitters: PubMed 22461308; PubMed 25077900.

NM_017780.4(CHD7):c.3320_3333dup (p.Asn1112delinsProThrGlyTer)

Gene: CHD7 (chromodomain helicase DNA binding protein 7; plus strand). Cytogenetic location: 8q12.2.
Variant type: Duplication.
Coding change: c.3320_3333dup on transcript NM_017780.4 (MANE Select); coding-DNA positions 3320 to 3333, 14 bases duplicated (CCCACAGGCTGAAG).
Protein change: p.Asn1112delinsProThrGlyTer.
Molecular consequence: nonsense. On other transcripts: intron variant (1).
Genome position (GRCh38, 1-based): chr8:60,823,958-60,823,971, CCCACAGGCTGAAG duplicated; duplicating any 14 consecutive bases within chr8:60,823,953-60,823,971 gives the same sequence; the c. name uses the placement nearest the transcript's 3' end. VCF-style (leftmost placement, unchanged base first): chr8-60823952-A-ATGAAGCCCACAGGC. GRCh37 (hg19) VCF-style: chr8-61736511-A-ATGAAGCCCACAGGC.
Other names: c.1717-38271_1717-38258dup (NM_001316690.1).
Identifiers: ClinVar variation 2754718 (VCV002754718.3), dbSNP rs2487819165, ClinGen allele CA2697549942.